The following is an entry in ClinVar:

ClinVar aggregate classification (germline): Pathogenic (1 of 4 stars; one submission).

Conditions:
Ornithine aminotransferase deficiency (GACR). Also called: HYPERORNITHINEMIA WITH GYRATE ATROPHY OF CHOROID AND RETINA; OAT DEFICIENCY; Ornithine ketoacid aminotransferase deficiency; Gyrate atrophy; Gyrate atrophy of choroid and retina; Girate atrophy of the retina. Identifiers: Orphanet 414, MedGen C0018425, MONDO:0009796, OMIM 258870.

Submission:

Labcorp Genetics (formerly Invitae), Labcorp
Classification: Pathogenic for Ornithine aminotransferase deficiency. Last evaluated: 2021-06-18. Review status: criteria provided, single submitter. Criteria: Invitae Variant Classification Sherloc (09022015). Collection method: clinical testing. Allele origin: germline.
Comment: For these reasons, this variant has been classified as Pathogenic. This variant has not been reported in the literature in individuals with OAT-related conditions. This variant is not present in population databases (ExAC no frequency). This sequence change creates a premature translational stop signal (p.Ala335Argfs*4) in the OAT gene. It is expected to result in an absent or disrupted protein product. Loss-of-function variants in OAT are known to be pathogenic (PMID: 1737786, 23076989).

Literature cited by the submitters: PubMed 1737786; PubMed 23076989.

NM_000274.4(OAT):c.1001dup (p.Ala335fs)

Gene: OAT (ornithine aminotransferase; minus strand). Cytogenetic location: 10q26.13.
Variant type: Duplication.
Coding change: c.1001dup on transcript NM_000274.4 (MANE Select); coding-DNA position 1001, one base duplicated (T; older notation c.1001dupT).
Protein change: p.Ala335fs; shifts the reading frame from alanine 335.
Molecular consequence: frameshift variant.
Genome position (GRCh38, 1-based): chr10:124,401,739, A duplicated on the plus strand (T on the coding strand, the reverse complement: OAT is on the minus strand). VCF-style (leftmost placement, unchanged base first): chr10-124401738-G-GA. GRCh37 (hg19) VCF-style: chr10-126090307-G-GA.
Other names: c.587dup, p.Ala197fs (NM_001171814.2); c.1001dup, p.Ala335fs (NM_001322965.2, NM_001322966.2, NM_001322967.2 and 3 more transcripts); c.680dup, p.Ala228fs (NM_001322971.2); c.401dup, p.Ala135fs (NM_001322974.2); short protein forms A135fs, A197fs, A335fs, A228fs.
Identifiers: ClinVar variation 1455231 (VCV001455231.6), dbSNP rs2134452962, ClinGen allele CA2573145613.
Genomic context (GRCh38, chr10:124,401,738, plus strand): 5'-CAACATTGCTTTAAAGAATAGACACTGTGTGGCTGTATCAGTCTTTACCTCAAGGGCTGC[G>GA]ATGGCCACTCGGCAGCCTAGTGGATTGCCACCGTATGTGGACCCATGCTCCCCTGGCTTA-3'